The following is an entry in ClinVar:

NM_001377304.1(GFI1B):c.824C>T (p.Pro275Leu)

Gene: GFI1B (growth factor independent 1B transcriptional repressor; plus strand). Cytogenetic location: 9q34.13.
Variant type: single nucleotide variant.
Coding change: c.824C>T on transcript NM_001377304.1 (MANE Select); coding-DNA position 824, C replaced by T.
Protein change: p.Pro275Leu; replaces proline 275 with leucine.
Molecular consequence: missense variant.
Genome position (GRCh38, 1-based): chr9:132,990,881, C>T. VCF-style: chr9-132990881-C-T. GRCh37 (hg19) VCF-style: chr9-135866268-C-T.
Other names: c.686C>T, p.Pro229Leu (NM_001135031.2, NM_001377305.1); c.890C>T, p.Pro297Leu (NM_001371908.1); c.824C>T, p.Pro275Leu (NM_004188.8); short protein forms P229L, P275L, P297L.
Identifiers: ClinVar variation 4854481 (VCV004854481.1).
Genomic context (GRCh38, chr9:132,990,881, plus strand): 5'-GTGAGGAGGCCCTGACCCCGCCCTTGCTGTGCTGCGCTGCCCTCCCTGCAGGTGAGAAGC[C>T]GCACAAGTGCCAGGTGTGCGGAAAGGCCTTCAGCCAGAGCTCCAACCTCATCACCCACAG-3'
Protein context (NP_001364233.1, residues 265-285): KHTYIHTGEK[Pro275Leu]HKCQVCGKAF

ClinVar aggregate classification (germline): Uncertain significance (1 of 4 stars; one submission).

Conditions:
Platelet-type bleeding disorder 17 (BDPLT17). Also called: Thrombasthenia-thrombocytopenia, hereditary. Identifiers: Orphanet 721, MedGen C1861194, MONDO:0008553, OMIM 187900.

gnomAD v4.1: 9 of 1,614,200 alleles (0.00056%); highest among the groups gnomAD compares: East Asian, 0.0067%; no homozygotes.

Submission:

3billion
Classification: Uncertain significance for Platelet-type bleeding disorder 17. Last evaluated: 2026-01-21. Review status: criteria provided, single submitter. Criteria: ACMG Guidelines, 2015. Collection method: clinical testing. Allele origin: germline. Affected: yes.
Comment: The variant is observed at an extremely low frequency in the gnomAD v4.1.0 dataset (total allele frequency: <0.001%). Predicted Consequence/Location: Missense variant Damaging effect on gene or gene product predicted by in silico programs is uncertain [REVEL: 0.52 (damaging >=0.6, benign <0.4), 3Cnet: 0.05 (damaging >0.75, benign <0.1)]. Therefore, this variant is classified as VUS according to the recommendation of ACMG/AMP guideline.